The following is an entry in ClinVar:

NM_000459.5(TEK):c.*8C>T

Gene: TEK (TEK receptor tyrosine kinase; plus strand). Cytogenetic location: 9p21.2.
Variant type: single nucleotide variant.
Coding change: c.*8C>T on transcript NM_000459.5 (MANE Select); 8 bases downstream of the stop codon, C replaced by T.
Molecular consequence: 3 prime UTR variant.
Genome position (GRCh38, 1-based): chr9:27,229,240, C>T. VCF-style: chr9-27229240-C-T. GRCh37 (hg19) VCF-style: chr9-27229238-C-T.
Other names: c.*8C>T (NM_001290077.2, NM_001290078.2, NM_001375475.1 and 1 more transcripts).
Identifiers: ClinVar variation 3046173 (VCV003046173.4), dbSNP rs147570838, ClinGen allele CA5016851.
Genomic context (GRCh38, chr9:27,229,240, plus strand): 5'-ATGAGAAGTTTACTTATGCAGGAATTGACTGTTCTGCTGAAGAAGCGGCCTAGGACAGAA[C>T]ATCTGTATACCCTCTGTTTCCCTTTCACTGGCATGGGAGACCCTTGACACCTGCTGAGAA-3'

ClinVar aggregate classification (germline): Benign/Likely benign. Review status: criteria provided, multiple submitters, no conflicts (2 of 4 stars). 3 submissions from 3 submitters: Benign (1); Likely benign (1). 1 of the submissions does not count toward it. Last evaluated 2025-03-05.

Conditions:
TEK-related disorder. Also called: TEK-related condition.

Allele frequency attached by ClinVar (database versions not stated): gnomAD exomes 0.00035; ExAC 0.00114; 1000 Genomes Project 0.00240; 1000 Genomes Project 30x 0.00250; gnomAD 0.00348; TOPMed 0.00383; ESP Exome Variant Server 0.00400.
gnomAD v4.1: 1,057 of 1,613,438 alleles (0.066%); highest among the groups gnomAD compares: African/African-American, 1.2%; 5 homozygotes.

Submissions (3):

Mayo Clinic Laboratories, Mayo Clinic
Classification: Benign. Last evaluated: 2025-03-05. Review status: criteria provided, single submitter. Criteria: ACMG Guidelines, 2015. Collection method: clinical testing. Allele origin: germline. Observed: 3 variant alleles.
Comment: BS1, BP4, BP7

Blueprint Genetics
Classification: Likely benign. Last evaluated: 2024-10-22. Review status: criteria provided, single submitter. Criteria: ACMG Guidelines, 2015. Collection method: clinical testing. Allele origin: germline.

PreventionGenetics, part of Exact Sciences
Classification: Benign for TEK-related condition. Last evaluated: 2019-11-06. Review status: no assertion criteria provided. Collection method: clinical testing. Allele origin: germline. Not counted in ClinVar's aggregate classification.
Comment: This variant is classified as benign based on ACMG/AMP sequence variant interpretation guidelines (Richards et al. 2015 PMID: 25741868, with internal and published modifications).